The following is an entry in ClinVar:

NM_006206.6(PDGFRA):c.2005C>G (p.Pro669Ala)

Gene: PDGFRA (platelet derived growth factor receptor alpha; plus strand). Cytogenetic location: 4q12.
Variant type: single nucleotide variant.
Coding change: c.2005C>G on transcript NM_006206.6 (MANE Select); coding-DNA position 2005, C replaced by G.
Protein change: p.Pro669Ala; replaces proline 669 with alanine.
Molecular consequence: missense variant.
Genome position (GRCh38, 1-based): chr4:54,278,364, C>G. VCF-style: chr4-54278364-C-G. GRCh37 (hg19) VCF-style: chr4-55144531-C-G.
Other names: c.2005C>G, p.Pro669Ala (NM_001347827.2, NM_001347829.2); c.2080C>G, p.Pro694Ala (NM_001347828.2); c.2044C>G, p.Pro682Ala (NM_001347830.2); short protein forms P682A, P694A, P669A.
Identifiers: ClinVar variation 956700 (VCV000956700.10), dbSNP rs768124156, ClinGen allele CA356893822.

ClinVar aggregate classification (germline): Uncertain significance (1 of 4 stars; one submission).

Conditions:
Gastrointestinal stromal tumor. Also called: Gastrointestinal stromal tumor, somatic; Gastrointestinal stroma tumor. Identifiers: Orphanet 44890, MedGen C0238198, MeSH D046152, MONDO:0011719, OMIM 606764, HP:0100723.

gnomAD v4.1: 1 of 1,613,228 alleles (0.000062%); highest among the groups gnomAD compares: Non-Finnish European, 0.000085%; no homozygotes.

Submission:

Labcorp Genetics (formerly Invitae), Labcorp
Classification: Uncertain significance for Gastrointestinal stromal tumor. Last evaluated: 2019-10-29. Review status: criteria provided, single submitter. Criteria: Invitae Variant Classification Sherloc (09022015). Collection method: clinical testing. Allele origin: germline.
Comment: Algorithms developed to predict the effect of missense changes on protein structure and function are either unavailable or do not agree on the potential impact of this missense change (SIFT: "Tolerated"; PolyPhen-2: "Possibly Damaging"; Align-GVGD: "Class C0"). In summary, the available evidence is currently insufficient to determine the role of this variant in disease. Therefore, it has been classified as a Variant of Uncertain Significance. This variant has not been reported in the literature in individuals with PDGFRA-related conditions. This sequence change replaces proline with alanine at codon 669 of the PDGFRA protein (p.Pro669Ala). The proline residue is highly conserved and there is a small physicochemical difference between proline and alanine. This variant is not present in population databases (ExAC no frequency).